The following is an entry in ClinVar:

NM_207361.6(FREM2):c.458T>A (p.Leu153Gln)

Gene: FREM2 (FRAS1 related extracellular matrix 2; plus strand). Cytogenetic location: 13q13.3.
Variant type: single nucleotide variant.
Coding change: c.458T>A on transcript NM_207361.6 (MANE Select); coding-DNA position 458, T replaced by A.
Protein change: p.Leu153Gln; replaces leucine 153 with glutamine.
Molecular consequence: missense variant.
Genome position (GRCh38, 1-based): chr13:38,687,802, T>A. VCF-style: chr13-38687802-T-A. GRCh37 (hg19) VCF-style: chr13-39261939-T-A.
Other names: short protein forms L153Q.
Identifiers: ClinVar variation 3368429 (VCV003368429.1).

ClinVar aggregate classification (germline): Uncertain significance (1 of 4 stars; one submission).

gnomAD v4.1: 15 of 1,540,954 alleles (0.00097%); highest among the groups gnomAD compares: Non-Finnish European, 0.0013%; no homozygotes.

Submission:

GeneDx
Classification: Uncertain significance. Last evaluated: 2024-01-26. Review status: criteria provided, single submitter. Criteria: GeneDx Variant Classification Process June 2021. Collection method: clinical testing. Allele origin: germline. Affected: yes.
Comment: In silico analysis supports that this missense variant has a deleterious effect on protein structure/function; Has not been previously published as pathogenic or benign to our knowledge